The following is an entry in ClinVar:

NM_144991.3(TSPEAR):c.268G>A (p.Val90Ile)

Gene: TSPEAR (thrombospondin type laminin G domain and EAR repeats; minus strand). Cytogenetic location: 21q22.3.
Variant type: single nucleotide variant.
Coding change: c.268G>A on transcript NM_144991.3 (MANE Select); coding-DNA position 268, G replaced by A.
Protein change: p.Val90Ile; replaces valine 90 with isoleucine.
Molecular consequence: missense variant.
Genome position (GRCh38, 1-based): chr21:44,567,820, C>T on the plus strand (G>A on the coding strand, the complement: TSPEAR is on the minus strand). VCF-style: chr21-44567820-C-T. GRCh37 (hg19) VCF-style: chr21-45987704-C-T.
Other names: c.64G>A, p.Val22Ile (NM_001272037.2); short protein forms V22I, V90I.
Identifiers: ClinVar variation 1196033 (VCV001196033.9), dbSNP rs782426052, ClinGen allele CA10058053.
Genomic context (GRCh38, chr21:44,567,820, plus strand): 5'-ACGAAGTGCAGAAAGTGCCACTGACCTTGGGTGGAAGATTGGGAACTCTCAAAGTTACGA[C>T]GATGGAAAATTCTTCAGGGAAGAGGTCACACTGGGAGAAAATCCTGGATGCTGGGAAGCT-3'
Protein context (NP_659428.2, residues 80-100): CDLFPEEFSI[Val90Ile]VTLRVPNLPP

ClinVar aggregate classification (germline): Uncertain significance. Review status: criteria provided, multiple submitters, no conflicts (2 of 4 stars). 2 submissions from 2 submitters: Uncertain significance (2). Last evaluated 2024-04-26.

Allele frequency attached by ClinVar (database versions not stated): ExAC 0.00002; gnomAD 0.00002 and 0.00003; TOPMed 0.00002; gnomAD exomes 0.00003.
gnomAD v4.1: 19 of 1,597,710 alleles (0.0012%); highest among the groups gnomAD compares: Admixed American, 0.017%; no homozygotes.

Submissions (2):

GeneDx
Classification: Uncertain significance. Last evaluated: 2024-04-26. Review status: criteria provided, single submitter. Criteria: GeneDx Variant Classification Process June 2021. Collection method: clinical testing. Allele origin: germline. Affected: yes.
Comment: In silico analysis indicates that this missense variant does not alter protein structure/function; Has not been previously published as pathogenic or benign to our knowledge

Labcorp Genetics (formerly Invitae), Labcorp
Classification: Uncertain significance. Last evaluated: 2024-01-08. Review status: criteria provided, single submitter. Criteria: Invitae Variant Classification Sherloc (09022015). Collection method: clinical testing. Allele origin: germline.
Comment: This sequence change replaces valine, which is neutral and non-polar, with isoleucine, which is neutral and non-polar, at codon 90 of the TSPEAR protein (p.Val90Ile). This variant is present in population databases (rs782426052, gnomAD 0.02%). This variant has not been reported in the literature in individuals affected with TSPEAR-related conditions. ClinVar contains an entry for this variant (Variation ID: 1196033). Advanced modeling of protein sequence and biophysical properties (such as structural, functional, and spatial information, amino acid conservation, physicochemical variation, residue mobility, and thermodynamic stability) performed at Invitae indicates that this missense variant is not expected to disrupt TSPEAR protein function with a negative predictive value of 80%. In summary, the available evidence is currently insufficient to determine the role of this variant in disease. Therefore, it has been classified as a Variant of Uncertain Significance.